The following is an entry in ClinVar:

NM_032387.5(WNK4):c.2476G>A (p.Gly826Ser)

Gene: WNK4 (WNK lysine deficient protein kinase 4; plus strand). Cytogenetic location: 17q21.2.
Variant type: single nucleotide variant.
Coding change: c.2476G>A on transcript NM_032387.5 (MANE Select); coding-DNA position 2476, G replaced by A.
Protein change: p.Gly826Ser; replaces glycine 826 with serine.
Molecular consequence: missense variant.
Genome position (GRCh38, 1-based): chr17:42,794,897, G>A. VCF-style: chr17-42794897-G-A. GRCh37 (hg19) VCF-style: chr17-40946915-G-A.
Other names: c.1468G>A, p.Gly490Ser (NM_001321299.2); short protein forms G826S, G490S.
Identifiers: ClinVar variation 64599 (VCV000064599.15), dbSNP rs190384194, ClinGen allele CA216484.

ClinVar aggregate classification (germline): Benign/Likely benign. Review status: criteria provided, multiple submitters, no conflicts (2 of 4 stars). 4 submissions from 4 submitters: Benign (1); Likely benign (1). 2 of the submissions do not count toward it. Last evaluated 2024-10-24.

Conditions:
WNK4-related disorder. Also called: WNK4-related condition.
Pseudohypoaldosteronism type 2B (PHA2B). Also called: Pseudohypoaldosteronism Type IIB. Identifiers: Orphanet 757, Orphanet 88939, MedGen C1840390, MONDO:0013777, OMIM 614491.

Allele frequency attached by ClinVar (database versions not stated): TOPMed 0.00015; 1000 Genomes Project 30x 0.00016; 1000 Genomes Project 0.00020; ExAC 0.00070; gnomAD exomes 0.00070.
gnomAD v4.1: 587 of 1,603,694 alleles (0.037%); highest among the groups gnomAD compares: East Asian, 0.14%; 4 homozygotes.

Submissions (4):

Labcorp Genetics (formerly Invitae), Labcorp
Classification: Likely benign. Last evaluated: 2024-10-24. Review status: criteria provided, single submitter. Criteria: Invitae Variant Classification Sherloc (09022015). Collection method: clinical testing. Allele origin: germline.

Illumina Laboratory Services, Illumina
Classification: Benign for Pseudohypoaldosteronism type 2B. Last evaluated: 2018-01-13. Review status: criteria provided, single submitter. Criteria: ICSL Variant Classification Criteria 13 December 2019. Collection method: clinical testing. Allele origin: germline.
Comment: This variant was observed in the ICSL laboratory as part of a predisposition screen in an ostensibly healthy population. It had not been previously curated by ICSL or reported in the Human Gene Mutation Database (HGMD: prior to June 1st, 2018), and was therefore a candidate for classification through an automated scoring system. Utilizing variant allele frequency, disease prevalence and penetrance estimates, and inheritance mode, an automated score was calculated to assess if this variant is too frequent to cause the disease. Based on the score and internal cut-off values, a variant classified as benign is not then subjected to further curation. The score for this variant resulted in a classification of benign for this disease.

PreventionGenetics, part of Exact Sciences
Classification: Benign for WNK4-related condition. Last evaluated: 2022-03-02. Review status: no assertion criteria provided. Collection method: clinical testing. Allele origin: germline. Not counted in ClinVar's aggregate classification.
Comment: This variant is classified as benign based on ACMG/AMP sequence variant interpretation guidelines (Richards et al. 2015 PMID: 25741868, with internal and published modifications).

Martin Pollak Laboratory,  Beth Israel Deaconess Medical Center
Classification: Uncertain significance. Review status: no assertion criteria provided. Collection method: not provided. Allele origin: unknown. Not counted in ClinVar's aggregate classification.
Comment: Lower UCa2+ group
ClinVar note: Converted during submission from unknown to Uncertain significance.